The following is an entry in ClinVar:

NM_001330260.2(SCN8A):c.4509T>C (p.Pro1503=)

Gene: SCN8A (sodium voltage-gated channel alpha subunit 8; plus strand). Cytogenetic location: 12q13.13.
Variant type: single nucleotide variant.
Coding change: c.4509T>C on transcript NM_001330260.2 (MANE Select); coding-DNA position 4509, T replaced by C.
Protein change: p.Pro1503=; no amino-acid change (proline 1503 retained).
Molecular consequence: synonymous variant.
Genome position (GRCh38, 1-based): chr12:51,790,487, T>C. VCF-style: chr12-51790487-T-C. GRCh37 (hg19) VCF-style: chr12-52184271-T-C.
Other names: p.Pro1503=; c.4386T>C, p.Pro1462= (NM_001177984.3, NM_001369788.1); c.4509T>C, p.Pro1503= (NM_014191.4).
Identifiers: ClinVar variation 130247 (VCV000130247.34), dbSNP rs303815, ClinGen allele CA155093.

ClinVar aggregate classification (germline): Benign. Review status: criteria provided, multiple submitters, no conflicts (2 of 4 stars). 16 submissions from 13 submitters: Benign (12). 4 of the submissions do not count toward it. Last evaluated 2026-02-04.

Conditions:
Early-infantile DEE. Also called: Ohtahara syndrome; Early infantile epileptic encephalopathy with suppression bursts; Early infantile epileptic encephalopathy. Identifiers: Orphanet 1934, MedGen C0393706, MONDO:0800491.
Myoclonus, familial, 2. Identifiers: MedGen C5193056, MONDO:0100092, OMIM 618364.
Inborn genetic diseases. Identifiers: MedGen C0950123, MeSH D030342.
Seizures, benign familial infantile, 5 (BFIS5). Also called: CONVULSIONS, BENIGN FAMILIAL INFANTILE, 5. Identifiers: Orphanet 306, MedGen C4310728, MONDO:0014903, OMIM 617080.
Cognitive impairment with or without cerebellar ataxia (CIAT). Identifiers: MedGen C3280415, MONDO:0013680, OMIM 614306.
Developmental and epileptic encephalopathy, 13 (DEE13). Also called: Early infantile epileptic encephalopathy 13; Developmental and Epileptic Encephalopathy (SCN8A-DEE); SCN8A-Related Epilepsy. Identifiers: Orphanet 442835, MedGen C3281191, MONDO:0013801, OMIM 614558.

Allele frequency attached by ClinVar (database versions not stated): gnomAD exomes 0.65911 and 0.71212; 1000 Genomes Project 30x 0.50109; 1000 Genomes Project 0.50379; ESP Exome Variant Server 0.62560; TOPMed 0.61515; gnomAD 0.61642 and 0.62374; ExAC 0.65001.
gnomAD v4.1: 1,127,846 of 1,605,698 alleles (70%); highest among the groups gnomAD compares: Non-Finnish European, 75%; 409,333 homozygotes.

Submissions (16):

Labcorp Genetics (formerly Invitae), Labcorp
Classification: Benign for Early-infantile DEE. Last evaluated: 2026-02-04. Review status: criteria provided, single submitter. Criteria: Invitae Variant Classification Sherloc (09022015). Collection method: clinical testing. Allele origin: germline.

Unidad de Genómica Garrahan, Hospital de Pediatría Garrahan
Classification: Benign. Last evaluated: 2024-07-15. Review status: criteria provided, single submitter. Criteria: ACMG Guidelines, 2015. Collection method: clinical testing. Allele origin: germline. Affected: no. Observed: 82 variant alleles.
Comment: This variant is classified as Benign based on local population frequency. This variant was detected in 88% of patients studied in a panel designed for Epileptic and Developmental Encephalopathy and Progressive Myoclonus Epilepsy. Number of patients: 82. Only high quality variants are reported.

Mayo Clinic Laboratories, Mayo Clinic
Classification: Benign. Last evaluated: 2022-03-24. Review status: criteria provided, single submitter. Criteria: ACMG Guidelines, 2015. Collection method: clinical testing. Allele origin: germline. Observed: 1,575 variant alleles.

Genome-Nilou Lab
Classification: Benign for Myoclonus, familial, 2. Last evaluated: 2021-07-15. Review status: criteria provided, single submitter. Criteria: ACMG Guidelines, 2015. Collection method: clinical testing. Allele origin: germline. Affected: no.

Genome-Nilou Lab
Classification: Benign for Cognitive impairment with or without cerebellar ataxia. Last evaluated: 2021-07-15. Review status: criteria provided, single submitter. Criteria: ACMG Guidelines, 2015. Collection method: clinical testing. Allele origin: germline. Affected: no.

Genome-Nilou Lab
Classification: Benign for Developmental and epileptic encephalopathy, 13. Last evaluated: 2021-07-15. Review status: criteria provided, single submitter. Criteria: ACMG Guidelines, 2015. Collection method: clinical testing. Allele origin: germline. Affected: no.

Genome-Nilou Lab
Classification: Benign for Seizures, benign familial infantile, 5. Last evaluated: 2021-07-15. Review status: criteria provided, single submitter. Criteria: ACMG Guidelines, 2015. Collection method: clinical testing. Allele origin: germline. Affected: no.

Athena Diagnostics
Classification: Benign. Last evaluated: 2018-05-07. Review status: criteria provided, single submitter. Criteria: Athena Diagnostics Criteria. Collection method: clinical testing. Allele origin: germline.

Ambry Genetics
Classification: Benign for Inborn genetic diseases. Last evaluated: 2015-12-31. Review status: criteria provided, single submitter. Criteria: Ambry Variant Classification Scheme 2023. Collection method: clinical testing. Allele origin: germline.

GeneDx
Classification: Benign. Last evaluated: 2015-03-03. Review status: criteria provided, single submitter. Criteria: GeneDx Variant Classification Process June 2021. Collection method: clinical testing. Allele origin: germline. Affected: yes.

Breakthrough Genomics
Classification: Benign. Review status: criteria provided, single submitter. Criteria: ACMG Guidelines, 2015. Collection method: not provided. Allele origin: germline. Inheritance: Autosomal dominant inheritance. Affected: yes.

PreventionGenetics, part of Exact Sciences
Classification: Benign. Review status: criteria provided, single submitter. Criteria: ACMG Guidelines, 2015. Collection method: clinical testing. Allele origin: germline.

Clinical Genetics DNA and cytogenetics Diagnostics Lab, Erasmus MC, Erasmus Medical Center
Classification: Benign. Review status: no assertion criteria provided. Collection method: clinical testing. Allele origin: germline. Affected: yes. Study: VKGL Data-share Consensus. Not counted in ClinVar's aggregate classification.

Diagnostic Laboratory, Department of Genetics, University Medical Center Groningen
Classification: Benign. Review status: no assertion criteria provided. Collection method: clinical testing. Allele origin: germline. Affected: yes. Study: VKGL Data-share Consensus. Not counted in ClinVar's aggregate classification.

Genetic Services Laboratory, University of Chicago
Classification: Likely benign for AllHighlyPenetrant. Review status: no assertion criteria provided. Collection method: clinical testing. Allele origin: germline. Inheritance: Autosomal dominant inheritance. Not counted in ClinVar's aggregate classification.
Comment: Likely benign based on allele frequency in 1000 Genomes Project or ESP global frequency and its presence in a patient with a rare or unrelated disease phenotype. NOT Sanger confirmed.

Joint Genome Diagnostic Labs from Nijmegen and Maastricht, Radboudumc and MUMC+
Classification: Benign. Review status: no assertion criteria provided. Collection method: clinical testing. Allele origin: germline. Affected: yes. Study: VKGL Data-share Consensus. Not counted in ClinVar's aggregate classification.